The following is an entry in ClinVar:

NM_001792.5(CDH2):c.2103C>T (p.Cys701=)

Gene: CDH2 (cadherin 2; minus strand). Cytogenetic location: 18q12.1.
Variant type: single nucleotide variant.
Coding change: c.2103C>T on transcript NM_001792.5 (MANE Select); coding-DNA position 2103, C replaced by T.
Protein change: p.Cys701=; no amino-acid change (cysteine 701 retained).
Molecular consequence: synonymous variant.
Genome position (GRCh38, 1-based): chr18:27,985,106, G>A on the plus strand (C>T on the coding strand, the complement: CDH2 is on the minus strand). VCF-style: chr18-27985106-G-A. GRCh37 (hg19) VCF-style: chr18-25565070-G-A.
Other names: c.2010C>T, p.Cys670= (NM_001308176.2).
Identifiers: ClinVar variation 1320956 (VCV001320956.6), dbSNP rs751271722, ClinGen allele CA8923239.

ClinVar aggregate classification (germline): Conflicting classifications of pathogenicity. Review status: criteria provided, conflicting classifications (1 of 4 stars). 2 submissions from 2 submitters: Uncertain significance (1); Likely benign (1). Last evaluated 2024-12-04.

Allele frequency attached by ClinVar (database versions not stated): ExAC 0.00001; gnomAD exomes 0.00001; TOPMed below 0.00001.
gnomAD v4.1: 21 of 1,614,040 alleles (0.0013%); highest among the groups gnomAD compares: Middle Eastern, 0.016%; no homozygotes.

Submissions (2):

Labcorp Genetics (formerly Invitae), Labcorp
Classification: Likely benign. Last evaluated: 2024-12-04. Review status: criteria provided, single submitter. Criteria: Invitae Variant Classification Sherloc (09022015). Collection method: clinical testing. Allele origin: germline.

GeneDx
Classification: Uncertain significance. Last evaluated: 2021-04-13. Review status: criteria provided, single submitter. Criteria: GeneDx Variant Classification Process June 2021. Collection method: clinical testing. Allele origin: germline. Affected: yes.
Comment: Not observed in large population cohorts (Lek et al., 2016); Has not been previously published as pathogenic or benign to our knowledge; In silico analysis, which includes splice predictors and evolutionary conservation, suggests this variant may impact gene splicing. In the absence of RNA/functional studies, the actual effect of this sequence change is unknown.